The following is an entry in ClinVar:

ClinVar aggregate classification (germline): Uncertain significance (1 of 4 stars; one submission).

Submission:

GeneDx
Classification: Uncertain significance. Last evaluated: 2022-04-26. Review status: criteria provided, single submitter. Criteria: GeneDx Variant Classification Process June 2021. Collection method: clinical testing. Allele origin: germline. Affected: yes.
Comment: Not observed at significant frequency in large population cohorts (gnomAD); In silico analysis supports that this missense variant does not alter protein structure/function; Has not been previously published as pathogenic or benign to our knowledge

NM_030632.3(ASXL3):c.2173A>G (p.Thr725Ala)

Gene: ASXL3 (ASXL transcriptional regulator 3; plus strand). Cytogenetic location: 18q12.1.
Variant type: single nucleotide variant.
Coding change: c.2173A>G on transcript NM_030632.3 (MANE Select); coding-DNA position 2173, A replaced by G.
Protein change: p.Thr725Ala; replaces threonine 725 with alanine.
Molecular consequence: missense variant.
Genome position (GRCh38, 1-based): chr18:33,739,577, A>G. VCF-style: chr18-33739577-A-G. GRCh37 (hg19) VCF-style: chr18-31319541-A-G.
Other names: short protein forms T725A.
Identifiers: ClinVar variation 1712726 (VCV001712726.2), dbSNP rs2510918901, ClinGen allele CA402177549.